The following is an entry in ClinVar:

ClinVar aggregate classification (germline): Uncertain significance. Review status: criteria provided, multiple submitters, no conflicts (2 of 4 stars). 3 submissions from 3 submitters: Uncertain significance (2). 1 of the submissions does not count toward it. Last evaluated 2024-04-17.

Conditions:
Walker-Warburg congenital muscular dystrophy. Also called: Muscular dystrophy-dystroglycanopathy, type A; Walker-Warburg syndrome. Identifiers: Orphanet 899, MedGen C0265221, MONDO:0000171.

Allele frequency attached by ClinVar (database versions not stated): gnomAD exomes below 0.00001 and 0.00001; gnomAD 0.00001; TOPMed 0.00001.
gnomAD v4.1: 6 of 1,613,928 alleles (0.00037%); highest among the groups gnomAD compares: East Asian, 0.0022%; no homozygotes.

Submissions (3):

Labcorp Genetics (formerly Invitae), Labcorp
Classification: Uncertain significance for Walker-Warburg congenital muscular dystrophy. Last evaluated: 2024-04-17. Review status: criteria provided, single submitter. Criteria: Invitae Variant Classification Sherloc (09022015). Collection method: clinical testing. Allele origin: germline.
Comment: This sequence change replaces proline, which is neutral and non-polar, with leucine, which is neutral and non-polar, at codon 395 of the FKTN protein (p.Pro395Leu). This variant is present in population databases (no rsID available, gnomAD 0.003%). This variant has not been reported in the literature in individuals affected with FKTN-related conditions. ClinVar contains an entry for this variant (Variation ID: 1200807). Advanced modeling of protein sequence and biophysical properties (such as structural, functional, and spatial information, amino acid conservation, physicochemical variation, residue mobility, and thermodynamic stability) has been performed at Invitae for this missense variant, however the output from this modeling did not meet the statistical confidence thresholds required to predict the impact of this variant on FKTN protein function. In summary, the available evidence is currently insufficient to determine the role of this variant in disease. Therefore, it has been classified as a Variant of Uncertain Significance.

GeneDx
Classification: Uncertain significance. Last evaluated: 2020-01-09. Review status: criteria provided, single submitter. Criteria: GeneDx Variant Classification Process June 2021. Collection method: clinical testing. Allele origin: germline. Affected: yes.
Comment: Not observed at a significant frequency in large population cohorts (Lek et al., 2016); In silico analysis, which includes protein predictors and evolutionary conservation, supports a deleterious effect; Has not been previously published as pathogenic or benign to our knowledge

Natera, Inc.
Classification: Uncertain significance for Walker-Warburg congenital muscular dystrophy. Last evaluated: 2020-02-06. Review status: no assertion criteria provided. Collection method: clinical testing. Allele origin: germline. Not counted in ClinVar's aggregate classification.

NM_001079802.2(FKTN):c.1184C>T (p.Pro395Leu)

Gene: FKTN (fukutin; plus strand). Cytogenetic location: 9q31.2.
Variant type: single nucleotide variant.
Coding change: c.1184C>T on transcript NM_001079802.2 (MANE Select); coding-DNA position 1184, C replaced by T.
Protein change: p.Pro395Leu; replaces proline 395 with leucine.
Molecular consequence: missense variant. On other transcripts: synonymous variant (1), non-coding transcript variant (2).
Genome position (GRCh38, 1-based): chr9:105,635,062, C>T. VCF-style: chr9-105635062-C-T. GRCh37 (hg19) VCF-style: chr9-108397343-C-T.
Other names: c.1184C>T, p.Pro395Leu (NM_001198963.2, NM_001351496.2, NM_006731.2); c.1115C>T, p.Pro372Leu (NM_001351497.2); c.1215C>T, p.Ser405= (NM_001351498.2); c.788C>T, p.Pro263Leu (NM_001351499.2, NM_001351500.2, NM_001351501.2 and 1 more transcripts); short protein forms P263L, P372L, P395L.
Identifiers: ClinVar variation 1200807 (VCV001200807.8), dbSNP rs1201619662, ClinGen allele CA374378026.